The following is an entry in ClinVar:

NM_001267550.2(TTN):c.306ACC[1] (p.Pro104del)

Gene: TTN (titin; minus strand). Cytogenetic location: 2q31.2.
Variant type: Microsatellite.
Coding change: c.306ACC[1] on transcript NM_001267550.2 (MANE Select); one copy of the 3-base unit ACC starting at c.306; the reference has two copies in a row; one copy, 3 bases deleted.
Protein change: p.Pro104del; deletes proline 104.
Molecular consequence: inframe deletion.
Genome position (GRCh38, 1-based): chr2:178,800,667-178,800,669, GGT deleted on the plus strand (ACC on the coding strand, the reverse complement: TTN is on the minus strand); deleting any 3 consecutive bases within chr2:178,800,667-178,800,673 gives the same sequence; the position shown is the placement nearest the transcript's 3' end. VCF-style (leftmost placement, unchanged base first): chr2-178800666-GGGT-G. GRCh37 (hg19) VCF-style: chr2-179665393-GGGT-G.
Other names: c.306ACC[1], p.Pro104del (NM_003319.4, NM_133378.4, NM_133379.5 and 3 more transcripts); c.309_311delACC (NM_003319.4); short protein forms P104del.
Identifiers: ClinVar variation 1727452 (VCV001727452.3), dbSNP rs1477808512, ClinGen allele CA538438458.

ClinVar aggregate classification (germline): Uncertain significance (1 of 4 stars; one submission).

Conditions:
Cardiovascular phenotype. Identifiers: MedGen CN230736.

Submission:

Ambry Genetics
Classification: Uncertain significance for Cardiovascular phenotype. Last evaluated: 2024-09-13. Review status: criteria provided, single submitter. Criteria: Ambry Variant Classification Scheme 2023. Collection method: clinical testing. Allele origin: germline.
Comment: The c.309_311delACC variant (also known as p.P104del) is located in coding exon 3 of the TTN gene. This variant results from an in-frame ACC deletion at nucleotide positions 309 to 311. This results in the in-frame deletion of a proline at codon 104. This amino acid position is highly conserved in available vertebrate species. In addition, this alteration is predicted to be deleterious by in silico analysis (Choi Y et al. PLoS ONE. 2012; 7(10):e46688). Since supporting evidence is limited at this time, the clinical significance of this alteration remains unclear.